The following is an entry in ClinVar:

NM_001276345.2(TNNT2):c.433del (p.Ala145fs)

Gene: TNNT2 (troponin T2, cardiac type; minus strand). Cytogenetic location: 1q32.1.
Variant type: Deletion.
Coding change: c.433del on transcript NM_001276345.2 (MANE Select); coding-DNA position 433, one base deleted (G; older notation c.433delG).
Protein change: p.Ala145fs; shifts the reading frame from alanine 145.
Molecular consequence: frameshift variant.
Genome position (GRCh38, 1-based): chr1:201,364,354, C deleted on the plus strand (G on the coding strand, the reverse complement: TNNT2 is on the minus strand); the first of 3 consecutive C bases (chr1:201,364,354-201,364,356); deleting any one gives the same sequence. VCF-style (leftmost placement, unchanged base first): chr1-201364353-GC-G. GRCh37 (hg19) VCF-style: chr1-201333481-GC-G.
Other names: c.433del, p.Ala145fs (NM_000364.4, NM_001406723.1); c.403del, p.Ala135fs (NM_001001430.3, NM_001001431.3, NM_001276347.2 and 3 more transcripts); c.388del, p.Ala130fs (NM_001001432.3, NM_001406728.1); c.313del, p.Ala105fs (NM_001276346.2); c.400del, p.Ala134fs (NM_001406725.1); short protein forms A105fs, A130fs, A134fs, A135fs, A145fs.
Identifiers: ClinVar variation 2582446 (VCV002582446.2), dbSNP rs1659270426, ClinGen allele CA1219711566.
Genomic context (GRCh38, chr1:201,364,353, plus strand): 5'-CTCACAGCCAGGCGGTTCTGCCGCTCCTTCTCCCGCTCATTCCGGATGCGCTGCTGCTCG[GC>G]CCGCTCTGCCCGACGTCTCTCCTAAGGAGAAGAGGCAAAGCCCACCCAGGTGTGCATAGG-3'

ClinVar aggregate classification (germline): Conflicting classifications of pathogenicity. Review status: criteria provided, conflicting classifications (1 of 4 stars). 2 submissions from 2 submitters: Likely pathogenic (1); Uncertain significance (1). Last evaluated 2025-12-03.

Conditions:
Dilated cardiomyopathy 1D. Identifiers: Orphanet 154, Orphanet 54260, MedGen C1832243, MONDO:0011095, OMIM 601494.
Cardiomyopathy, familial restrictive, 3. Identifiers: Orphanet 75249, MedGen C2676271, MONDO:0012900, OMIM 612422.
Hypertrophic cardiomyopathy 2. Also called: TNNT2-Related Familial Hypertrophic Cardiomyopathy. Identifiers: MedGen C1861864, MONDO:0007266, OMIM 115195.

Submissions (2):

Labcorp Genetics (formerly Invitae), Labcorp
Classification: Uncertain significance for Cardiomyopathy, familial restrictive, 3; Hypertrophic cardiomyopathy 2; Dilated cardiomyopathy 1D. Last evaluated: 2025-12-03. Review status: criteria provided, single submitter. Criteria: Invitae Variant Classification Sherloc (09022015). Collection method: clinical testing. Allele origin: germline.
Comment: This sequence change creates a premature translational stop signal (p.Ala135Profs*47) in the TNNT2 gene. It is expected to result in an absent or disrupted protein product. However, the current clinical and genetic evidence is not sufficient to establish whether loss-of-function variants in TNNT2 cause disease. This variant is not present in population databases (gnomAD no frequency). This premature translational stop signal has been observed in individual(s) with dilated cardiomyopathy (internal data). ClinVar contains an entry for this variant (Variation ID: 2582446). In summary, the available evidence is currently insufficient to determine the role of this variant in disease. Therefore, it has been classified as a Variant of Uncertain Significance.

Baylor Genetics
Classification: Likely pathogenic for Dilated cardiomyopathy 1D. Last evaluated: 2023-06-09. Review status: criteria provided, single submitter. Criteria: ACMG Guidelines, 2015. Collection method: clinical testing. Allele origin: unknown.